The following is an entry in ClinVar:

ClinVar aggregate classification (germline): Uncertain significance (1 of 4 stars; one submission).

Conditions:
Inborn genetic diseases. Identifiers: MedGen C0950123, MeSH D030342.

gnomAD v4.1: 2 of 1,613,762 alleles (0.00012%); highest among the groups gnomAD compares: Admixed American, 0.0017%; no homozygotes.

Submission:

Ambry Genetics
Classification: Uncertain significance for Inborn genetic diseases. Last evaluated: 2024-12-12. Review status: criteria provided, single submitter. Criteria: Ambry Variant Classification Scheme 2023. Collection method: clinical testing. Allele origin: germline.
Comment: The p.G333S variant (also known as c.997G>A), located in coding exon 4 of the SH2B3 gene, results from a G to A substitution at nucleotide position 997. The glycine at codon 333 is replaced by serine, an amino acid with similar properties. This amino acid position is conserved. In addition, this alteration is predicted to be tolerated by in silico analysis. Based on the available evidence, the clinical significance of this variant remains unclear.

NM_005475.3(SH2B3):c.997G>A (p.Gly333Ser)

Gene: SH2B3 (SH2B adaptor protein 3; plus strand). Cytogenetic location: 12q24.12.
Variant type: single nucleotide variant.
Coding change: c.997G>A on transcript NM_005475.3 (MANE Select); coding-DNA position 997, G replaced by A.
Protein change: p.Gly333Ser; replaces glycine 333 with serine.
Molecular consequence: missense variant.
Genome position (GRCh38, 1-based): chr12:111,447,195, G>A. VCF-style: chr12-111447195-G-A. GRCh37 (hg19) VCF-style: chr12-111884999-G-A.
Other names: c.391G>A, p.Gly131Ser (NM_001291424.1); short protein forms G131S, G333S.
Identifiers: ClinVar variation 3794982 (VCV003794982.1).